The following is an entry in ClinVar:

ClinVar aggregate classification (germline): Uncertain significance. Review status: criteria provided, multiple submitters, no conflicts (2 of 4 stars). 2 submissions from 2 submitters: Uncertain significance (2). Last evaluated 2024-04-15.

Conditions:
Tuberous sclerosis 1 (TSC1). Identifiers: Orphanet 805, MedGen C1854465, MONDO:0008612, OMIM 191100.
Hereditary cancer-predisposing syndrome. Also called: Neoplastic Syndromes, Hereditary; Hereditary Cancer Syndrome; Hereditary neoplastic syndrome; Tumor predisposition. Identifiers: Orphanet 140162, MedGen C0027672, MeSH D009386, MONDO:0015356.

Submissions (2):

Labcorp Genetics (formerly Invitae), Labcorp
Classification: Uncertain significance for Tuberous sclerosis 1. Last evaluated: 2024-04-15. Review status: criteria provided, single submitter. Criteria: Invitae Variant Classification Sherloc (09022015). Collection method: clinical testing. Allele origin: germline.
Comment: This sequence change replaces asparagine, which is neutral and polar, with serine, which is neutral and polar, at codon 1157 of the TSC1 protein (p.Asn1157Ser). This variant is not present in population databases (gnomAD no frequency). This variant has not been reported in the literature in individuals affected with TSC1-related conditions. ClinVar contains an entry for this variant (Variation ID: 851991). Advanced modeling of protein sequence and biophysical properties (such as structural, functional, and spatial information, amino acid conservation, physicochemical variation, residue mobility, and thermodynamic stability) performed at Invitae indicates that this missense variant is not expected to disrupt TSC1 protein function with a negative predictive value of 95%. In summary, the available evidence is currently insufficient to determine the role of this variant in disease. Therefore, it has been classified as a Variant of Uncertain Significance.

Ambry Genetics
Classification: Uncertain significance for Hereditary cancer-predisposing syndrome. Last evaluated: 2023-01-20. Review status: criteria provided, single submitter. Criteria: Ambry Variant Classification Scheme 2023. Collection method: clinical testing. Allele origin: germline.
Comment: The p.N1157S variant (also known as c.3470A>G), located in coding exon 21 of the TSC1 gene, results from an A to G substitution at nucleotide position 3470. The asparagine at codon 1157 is replaced by serine, an amino acid with highly similar properties. This amino acid position is conserved. In addition, this alteration is predicted to be tolerated by in silico analysis. Since supporting evidence is limited at this time, the clinical significance of this alteration remains unclear.

NM_000368.5(TSC1):c.3470A>G (p.Asn1157Ser)

Gene: TSC1 (TSC complex subunit 1; minus strand). Cytogenetic location: 9q34.13.
Variant type: single nucleotide variant.
Coding change: c.3470A>G on transcript NM_000368.5 (MANE Select); coding-DNA position 3470, A replaced by G.
Protein change: p.Asn1157Ser; replaces asparagine 1157 with serine.
Molecular consequence: missense variant.
Genome position (GRCh38, 1-based): chr9:132,896,260, T>C on the plus strand (A>G on the coding strand, the complement: TSC1 is on the minus strand). VCF-style: chr9-132896260-T-C. GRCh37 (hg19) VCF-style: chr9-135771647-T-C.
Other names: c.3467A>G, p.Asn1156Ser (NM_001162426.2); c.3317A>G, p.Asn1106Ser (NM_001162427.2); c.3107A>G, p.Asn1036Ser (NM_001362177.2); short protein forms N1036S, N1106S, N1156S, N1157S.
Identifiers: ClinVar variation 851991 (VCV000851991.11), dbSNP rs1845023976, ClinGen allele CA375366303.